The following is an entry in ClinVar:

ClinVar aggregate classification (germline): Pathogenic (1 of 4 stars; one submission).

Conditions:
Primary ciliary dyskinesia. Also called: Ciliary dyskinesia. Identifiers: Orphanet 244, MedGen C0008780, MONDO:0016575, HP:0012265.

Submission:

Labcorp Genetics (formerly Invitae), Labcorp
Classification: Pathogenic for Primary ciliary dyskinesia. Last evaluated: 2023-12-14. Review status: criteria provided, single submitter. Criteria: Invitae Variant Classification Sherloc (09022015). Collection method: clinical testing. Allele origin: germline.
Comment: This sequence change creates a premature translational stop signal (p.Val3917Lysfs*20) in the DNAH11 gene. It is expected to result in an absent or disrupted protein product. Loss-of-function variants in DNAH11 are known to be pathogenic (PMID: 18022865, 20513915, 22184204). This variant is present in population databases (rs765308785, gnomAD 0.02%). This variant has not been reported in the literature in individuals affected with DNAH11-related conditions. For these reasons, this variant has been classified as Pathogenic.

Literature cited by the submitters: PubMed 18022865; PubMed 20513915; PubMed 22184204.

NM_001277115.2(DNAH11):c.11749_11752del (p.Val3917fs)

Gene: DNAH11 (dynein axonemal heavy chain 11; plus strand). Cytogenetic location: 7p15.3.
Variant type: Deletion.
Coding change: c.11749_11752del on transcript NM_001277115.2 (MANE Select); coding-DNA positions 11749 to 11752, 4 bases deleted (GTTA; older notation c.11749_11752delGTTA).
Protein change: p.Val3917fs; shifts the reading frame from valine 3917.
Molecular consequence: frameshift variant.
Genome position (GRCh38, 1-based): chr7:21,867,917-21,867,920, GTTA deleted; deleting any 4 consecutive bases within chr7:21,867,914-21,867,920 gives the same sequence; the c. name uses the placement nearest the transcript's 3' end. VCF-style (leftmost placement, unchanged base first): chr7-21867913-CTTAG-C. GRCh37 (hg19) VCF-style: chr7-21907531-CTTAG-C.
Other names: c.11770_11773delGTTA, p.Val3924Lysfs (NM_003777.3); short protein forms V3917fs.
Identifiers: ClinVar variation 2958343 (VCV002958343.3), dbSNP rs765308785, ClinGen allele CA4182863.